The following is an entry in ClinVar:

ClinVar aggregate classification (germline): Uncertain significance (1 of 4 stars; one submission).

gnomAD v4.1: 13 of 1,613,798 alleles (0.00081%); highest among the groups gnomAD compares: South Asian, 0.0022%; no homozygotes.

Submission:

Mayo Clinic Laboratories, Mayo Clinic
Classification: Uncertain significance. Last evaluated: 2024-08-13. Review status: criteria provided, single submitter. Criteria: ACMG Guidelines, 2015. Collection method: clinical testing. Allele origin: germline. Observed: 1 variant allele.
Comment: BP4

Literature cited by the submitters: PubMed 33726816.

NM_002609.4(PDGFRB):c.2138C>T (p.Ala713Val)

Gene: PDGFRB (platelet derived growth factor receptor beta; minus strand). Cytogenetic location: 5q32.
Variant type: single nucleotide variant.
Coding change: c.2138C>T on transcript NM_002609.4 (MANE Select); coding-DNA position 2138, C replaced by T.
Protein change: p.Ala713Val; replaces alanine 713 with valine.
Molecular consequence: missense variant.
Genome position (GRCh38, 1-based): chr5:150,123,087, G>A on the plus strand (C>T on the coding strand, the complement: PDGFRB is on the minus strand). VCF-style: chr5-150123087-G-A. GRCh37 (hg19) VCF-style: chr5-149502650-G-A.
Other names: p.Ala713Val; c.1946C>T, p.Ala649Val (NM_001355016.2); c.1655C>T, p.Ala552Val (NM_001355017.2); short protein forms A552V, A649V, A713V.
Identifiers: ClinVar variation 3379607 (VCV003379607.1).